The following is an entry in ClinVar:

NM_022124.6(CDH23):c.3022G>A (p.Val1008Met)

Gene: CDH23 (cadherin related 23; plus strand). Cytogenetic location: 10q22.1.
Variant type: single nucleotide variant.
Coding change: c.3022G>A on transcript NM_022124.6 (MANE Select); coding-DNA position 3022, G replaced by A.
Protein change: p.Val1008Met; replaces valine 1008 with methionine.
Molecular consequence: missense variant.
Genome position (GRCh38, 1-based): chr10:71,706,965, G>A. VCF-style: chr10-71706965-G-A. GRCh37 (hg19) VCF-style: chr10-73466722-G-A.
Other names: c.3022G>A, p.Val1008Met (NM_001171930.2, NM_001171931.2); short protein forms V1008M.
Identifiers: ClinVar variation 166811 (VCV000166811.32), dbSNP rs201053044, ClinGen allele CA233643.

ClinVar aggregate classification (germline): Conflicting classifications of pathogenicity. Review status: criteria provided, conflicting classifications (1 of 4 stars). 13 submissions from 12 submitters: Uncertain significance (9); Likely benign (3). 1 of the submissions does not count toward it. Last evaluated 2026-09-23.

Conditions:
Autosomal recessive nonsyndromic hearing loss 12. Also called: DEAFNESS, AUTOSOMAL RECESSIVE 12. Identifiers: Orphanet 90636, MedGen C1832394, MONDO:0011067, OMIM 601386.
Pituitary adenoma 5, multiple types. Identifiers: MedGen C4539685, MONDO:0054601, OMIM 617540.
Usher syndrome type 1D (USH1D). Also called: USHER SYNDROME, TYPE ID. Identifiers: Orphanet 231169, Orphanet 886, MedGen C1832845, MONDO:0010984, OMIM 601067.
Inborn genetic diseases. Identifiers: MedGen C0950123, MeSH D030342.
CDH23-related disorder. Also called: CDH23-related condition; CDH23-related disorders.
Usher syndrome type 1 (USH1). Also called: RETINITIS PIGMENTOSA AND CONGENITAL DEAFNESS. Identifiers: Orphanet 231169, Orphanet 886, MedGen C1568247, MONDO:0010168, OMIM 276900.

Allele frequency attached by ClinVar (database versions not stated): gnomAD exomes 0.00019 and 0.00024; gnomAD 0.00038 and 0.00043; ExAC 0.00033; TOPMed 0.00038; ESP Exome Variant Server 0.00047; 1000 Genomes Project 0.00060; 1000 Genomes Project 30x 0.00078.
gnomAD v4.1: 427 of 1,607,324 alleles (0.027%); highest among the groups gnomAD compares: African/African-American, 0.045%; no homozygotes.

Submissions (13):

PreventionGenetics, part of Exact Sciences
Classification: Likely benign for CDH23-related condition. Last evaluated: 2026-09-23. Review status: criteria provided, single submitter. Criteria: ACMG Guidelines, 2015. Collection method: clinical testing. Allele origin: germline.
Comment: This variant is classified as likely benign based on ACMG/AMP sequence variant interpretation guidelines (Richards et al. 2015 PMID: 25741868, with internal and published modifications).

OLLIN Analises Genomicas, OLLIN
Classification: Uncertain significance for Autosomal recessive nonsyndromic hearing loss 12. Last evaluated: 2026-08-06. Review status: criteria provided, single submitter. Criteria: ACMG Guidelines 2015 PMID 25741868. Collection method: clinical testing. Allele origin: germline. Inheritance: Autosomal recessive inheritance.
Comment: This missense variant, located in exon 26 (of 70), has been reported in ClinVar (accession VCV000166811.30) and in gnomAD with an allele frequency of 0.027%. However, to our knowledge, it has not been reported in the scientific literature. In silico analysis predicts that this variant has a tolerated effect. According to the currently available evidence, this variant has been classified as uncertain significance (BP4).

Labcorp Genetics (formerly Invitae), Labcorp
Classification: Likely benign. Last evaluated: 2026-01-24. Review status: criteria provided, single submitter. Criteria: Invitae Variant Classification Sherloc (09022015). Collection method: clinical testing. Allele origin: germline.

Blueprint Genetics
Classification: Likely benign. Last evaluated: 2024-11-18. Review status: criteria provided, single submitter. Criteria: ACMG Guidelines, 2015. Collection method: clinical testing. Allele origin: germline.

Ambry Genetics
Classification: Uncertain significance for Inborn genetic diseases. Last evaluated: 2024-10-12. Review status: criteria provided, single submitter. Criteria: Ambry Variant Classification Scheme 2023. Collection method: clinical testing. Allele origin: germline.

Baylor Genetics
Classification: Uncertain significance for Pituitary adenoma 5, multiple types. Last evaluated: 2022-08-19. Review status: criteria provided, single submitter. Criteria: ACMG Guidelines, 2015. Collection method: clinical testing. Allele origin: unknown.

Laboratory for Molecular Medicine, Mass General Brigham Personalized Medicine
Classification: Uncertain significance. Last evaluated: 2019-07-24. Review status: criteria provided, single submitter. Criteria: LMM Criteria. Collection method: clinical testing. Allele origin: germline. Observed: 2 variant alleles.
Comment: Variant classified as Uncertain Significance - Favor Benign. The p.Val1008Met variant in CDH23 has not been previously reported in individuals with hearing loss, but was reported in ClinVar (Variation ID 166811). This variant was also identified in several populations in gnomAD, with the highest allele frequency observed in 0.25% (25/10040) of Ashkenazi Jewish chromosomes. Computational prediction tools and conservation analyses do not provide strong support for or against an impact to the protein. In summary, while the clinical significance of this variant is uncertain, its frequency suggests it is more likely to be benign. ACMG/AMP Criteria applied: BS1_Supporting.

Fulgent Genetics
Classification: Uncertain significance for Usher syndrome type 1D; Autosomal recessive nonsyndromic hearing loss 12; Pituitary adenoma 5, multiple types. Last evaluated: 2018-10-31. Review status: criteria provided, single submitter. Criteria: ACMG Guidelines, 2015. Collection method: clinical testing. Allele origin: unknown.

Illumina Laboratory Services, Illumina
Classification: Uncertain significance for Usher syndrome type 1D. Last evaluated: 2018-01-13. Review status: criteria provided, single submitter. Criteria: ICSL Variant Classification Criteria 13 December 2019. Collection method: clinical testing. Allele origin: germline.

Illumina Laboratory Services, Illumina
Classification: Uncertain significance for Autosomal recessive nonsyndromic hearing loss 12. Last evaluated: 2018-01-13. Review status: criteria provided, single submitter. Criteria: ICSL Variant Classification Criteria 13 December 2019. Collection method: clinical testing. Allele origin: germline.

GeneDx
Classification: Uncertain significance. Last evaluated: 2016-11-13. Review status: criteria provided, single submitter. Criteria: GeneDx Variant Classification (06012015). Collection method: clinical testing. Allele origin: germline. Affected: yes.
Comment: The V1008M variant in the CDH23 gene has not been reported previously as a pathogenic variant, nor as a benign variant, to our knowledge. This variant was not observed at any significant frequency in approximately 6400 individuals of European and African American ancestry in the NHLBI Exome Sequencing Project, indicating it is not a common benign variant in these populations. The V1008M variant is a conservative amino acid substitution, which is not likely to impact secondary protein structure as these residues share similar properties. This substitution occurs at a position where amino acids with similar properties to Valine are tolerated across species. In silico analysis is inconsistent in its predictions as to whether or not the variant is damaging to the protein structure/function. We interpret V1008M as a variant of uncertain significance.

Eurofins Ntd Llc (ga)
Classification: Uncertain significance. Last evaluated: 2014-02-18. Review status: criteria provided, single submitter. Criteria: EGL Classification Definitions 2015. Collection method: clinical testing. Allele origin: germline. Observed: 1 variant allele, 1 heterozygote.

Natera, Inc.
Classification: Uncertain significance for Usher syndrome type 1. Last evaluated: 2020-04-13. Review status: no assertion criteria provided. Collection method: clinical testing. Allele origin: germline. Not counted in ClinVar's aggregate classification.